The following is an entry in ClinVar:

NM_006231.4(POLE):c.677T>C (p.Val226Ala)

Gene: POLE (DNA polymerase epsilon, catalytic subunit; minus strand). Cytogenetic location: 12q24.33.
Variant type: single nucleotide variant.
Coding change: c.677T>C on transcript NM_006231.4 (MANE Select); coding-DNA position 677, T replaced by C.
Protein change: p.Val226Ala; replaces valine 226 with alanine.
Molecular consequence: missense variant.
Genome position (GRCh38, 1-based): chr12:132,677,621, A>G on the plus strand (T>C on the coding strand, the complement: POLE is on the minus strand). VCF-style: chr12-132677621-A-G. GRCh37 (hg19) VCF-style: chr12-133254207-A-G.
Other names: c.677T>C (NM_006231.2); short protein forms V226A.
Identifiers: ClinVar variation 2771986 (VCV002771986.5), dbSNP rs2043084809, ClinGen allele CA387364833.

ClinVar aggregate classification (germline): Uncertain significance. Review status: criteria provided, multiple submitters, no conflicts (2 of 4 stars). 2 submissions from 2 submitters: Uncertain significance (2). Last evaluated 2025-05-01.

Conditions:
Hereditary cancer-predisposing syndrome. Also called: Hereditary neoplastic syndrome; Hereditary Cancer Syndrome; Neoplastic Syndromes, Hereditary; Tumor predisposition. Identifiers: Orphanet 140162, MedGen C0027672, MeSH D009386, MONDO:0015356.

Submissions (2):

Ambry Genetics
Classification: Uncertain significance for Hereditary cancer-predisposing syndrome. Last evaluated: 2025-05-01. Review status: criteria provided, single submitter. Criteria: Ambry Variant Classification Scheme 2023. Collection method: clinical testing. Allele origin: germline.

Labcorp Genetics (formerly Invitae), Labcorp
Classification: Uncertain significance. Last evaluated: 2023-12-02. Review status: criteria provided, single submitter. Criteria: Invitae Variant Classification Sherloc (09022015). Collection method: clinical testing. Allele origin: germline.
Comment: This sequence change replaces valine, which is neutral and non-polar, with alanine, which is neutral and non-polar, at codon 226 of the POLE protein (p.Val226Ala). This variant is not present in population databases (gnomAD no frequency). This variant has not been reported in the literature in individuals affected with POLE-related conditions. Advanced modeling of protein sequence and biophysical properties (such as structural, functional, and spatial information, amino acid conservation, physicochemical variation, residue mobility, and thermodynamic stability) performed at Invitae indicates that this missense variant is expected to disrupt POLE protein function with a positive predictive value of 80%. In summary, the available evidence is currently insufficient to determine the role of this variant in disease. Therefore, it has been classified as a Variant of Uncertain Significance.